The following is an entry in ClinVar:

NM_002519.3(NPAT):c.2648G>A (p.Ser883Asn)

Gene: NPAT (nuclear protein, coactivator of histone transcription; minus strand). Cytogenetic location: 11q22.3.
Variant type: single nucleotide variant.
Coding change: c.2648G>A on transcript NM_002519.3 (MANE Select); coding-DNA position 2648, G replaced by A.
Protein change: p.Ser883Asn; replaces serine 883 with asparagine.
Molecular consequence: missense variant.
Genome position (GRCh38, 1-based): chr11:108,172,336, C>T on the plus strand (G>A on the coding strand, the complement: NPAT is on the minus strand). VCF-style: chr11-108172336-C-T. GRCh37 (hg19) VCF-style: chr11-108043063-C-T.
Other names: c.2648G>A, p.Ser883Asn (NM_001321307.1); short protein forms S883N.
Identifiers: ClinVar variation 3300679 (VCV003300679.1).

ClinVar aggregate classification (germline): Uncertain significance (1 of 4 stars; one submission).

gnomAD v4.1: 1 of 1,614,196 alleles (0.000062%); highest among the groups gnomAD compares: Non-Finnish European, 0.000085%; no homozygotes.

Submission:

Ambry Genetics
Classification: Uncertain significance. Last evaluated: 2024-04-27. Review status: criteria provided, single submitter. Criteria: Ambry Variant Classification Scheme 2023. Collection method: clinical testing. Allele origin: germline.
Comment: The p.S883N variant (also known as c.2648G>A), located in coding exon 13 of the NPAT gene, results from a G to A substitution at nucleotide position 2648. The serine at codon 883 is replaced by asparagine, an amino acid with highly similar properties. This amino acid position is conserved. In addition, this alteration is predicted to be tolerated by in silico analysis. Based on the available evidence, the clinical significance of this variant remains unclear.